The following is an entry in ClinVar:

NM_212482.4(FN1):c.1109C>T (p.Thr370Met)

Genes: FN1 (fibronectin 1; minus strand), LOC126806498 (CDK7 strongly-dependent group 2 enhancer GRCh37_chr2:216288045-216289244; plus strand). Cytogenetic location: 2q35.
Variant type: single nucleotide variant.
Coding change: c.1109C>T on transcript NM_212482.4 (MANE Select); coding-DNA position 1109, C replaced by T.
Protein change: p.Thr370Met; replaces threonine 370 with methionine.
Molecular consequence: missense variant.
Genome position (GRCh38, 1-based): chr2:215,424,253, G>A on the plus strand (C>T on the coding strand, the complement: FN1 is on the minus strand). VCF-style: chr2-215424253-G-A. GRCh37 (hg19) VCF-style: chr2-216288976-G-A.
Other names: c.1109C>T, p.Thr370Met (NM_001306129.2, NM_001306130.2, NM_001306131.2 and 14 more transcripts); short protein forms T370M.
Identifiers: ClinVar variation 4700144 (VCV004700144.1).
Genomic context (GRCh38, chr2:215,424,253, plus strand): 5'-GAAGTTGTGCTGCACCAAAGATGTCCGTCCTGTCGCCCTTCTGTGGTGCAGGAGTAGAAC[G>A]TCCTGCCATTGTAGGTGAATGGTAAGACACATGGCTCTCCATTTGAGTTGCCACCGTAAG-3'
Protein context (NP_997647.2, residues 360-380): CVLPFTYNGR[Thr370Met]FYSCTTEGRQ

ClinVar aggregate classification (germline): Uncertain significance (1 of 4 stars; one submission).

gnomAD v4.1: 12 of 1,613,542 alleles (0.00074%); highest among the groups gnomAD compares: South Asian, 0.0022%; no homozygotes.

Submission:

Labcorp Genetics (formerly Invitae), Labcorp
Classification: Uncertain significance. Last evaluated: 2025-11-14. Review status: criteria provided, single submitter. Criteria: Invitae Variant Classification Sherloc (09022015). Collection method: clinical testing. Allele origin: germline.
Comment: This sequence change replaces threonine, which is neutral and polar, with methionine, which is neutral and non-polar, at codon 370 of the FN1 protein (p.Thr370Met). This variant is not present in population databases (gnomAD no frequency). This variant has not been reported in the literature in individuals affected with FN1-related conditions. An algorithm developed to predict the effect of missense changes on protein structure and function (PolyPhen-2) suggests that this variant is likely to be disruptive. In summary, the available evidence is currently insufficient to determine the role of this variant in disease. Therefore, it has been classified as a Variant of Uncertain Significance.